The following is an entry in ClinVar:

ClinVar aggregate classification (germline): Uncertain significance. Review status: criteria provided, multiple submitters, no conflicts (2 of 4 stars). 2 submissions from 2 submitters: Uncertain significance (2). Last evaluated 2026-03-25.

Conditions:
Neurodevelopmental disorder with or without anomalies of the brain, eye, or heart (NEDBEH). Identifiers: Orphanet 494344, MedGen C5567477, MONDO:0014857, OMIM 616975.
Inborn genetic diseases. Identifiers: MedGen C0950123, MeSH D030342.

gnomAD v4.1: 8 of 917,808 alleles (0.00087%); highest among the groups gnomAD compares: Non-Finnish European, 0.0012%; no homozygotes.

Submissions (2):

Dasa
Classification: Uncertain significance for neurodevelopmental disorder with or without anomalies of the brain, eye, or heart. Last evaluated: 2026-03-25. Review status: criteria provided, single submitter. Criteria: DASA Assertion Criteria. Collection method: clinical testing. Allele origin: germline.
Comment: NM_001042681.2(RERE):c.2957C>G (p.Pro986Arg) is a missense variant that results in the substitution of proline with arginine. This variant is rare in population databases. The currently available literature and clinical evidence are not sufficient to establish a definitive association between this variant and the reported condition. Therefore, this variant is classified as a variant of uncertain significance.

Ambry Genetics
Classification: Uncertain significance for Inborn genetic diseases. Last evaluated: 2025-02-11. Review status: criteria provided, single submitter. Criteria: Ambry Variant Classification Scheme 2023. Collection method: clinical testing. Allele origin: germline.

NM_001042681.2(RERE):c.2957C>G (p.Pro986Arg)

Gene: RERE (arginine-glutamic acid dipeptide repeats; minus strand). Cytogenetic location: 1p36.23.
Variant type: single nucleotide variant.
Coding change: c.2957C>G on transcript NM_001042681.2 (MANE Select); coding-DNA position 2957, C replaced by G.
Protein change: p.Pro986Arg; replaces proline 986 with arginine.
Molecular consequence: missense variant.
Genome position (GRCh38, 1-based): chr1:8,360,550, G>C on the plus strand (C>G on the coding strand, the complement: RERE is on the minus strand). VCF-style: chr1-8360550-G-C. GRCh37 (hg19) VCF-style: chr1-8420610-G-C.
Other names: c.1295C>G, p.Pro432Arg (NM_001042682.2); c.2957C>G, p.Pro986Arg (NM_012102.4); short protein forms P986R, P432R.
Identifiers: ClinVar variation 3788245 (VCV003788245.3).
Genomic context (GRCh38, chr1:8,360,550, plus strand): 5'-CCGGGGGGCTGGGCGGGCGAGGAGGGCAATGGCTGGCTCTGAGGCATGAGTTGCAGGGGT[G>C]GGGGGTGAGCCGACGGGGGGTGATGTGTGGACAGGGAGCTCAGGGGCTTCAGGGCTGGAG-3'
Protein context (NP_001036146.1, residues 976-996): STHHPPSAHP[Pro986Arg]PLQLMPQSQP